The following is an entry in ClinVar:

ClinVar aggregate classification (germline): Conflicting classifications of pathogenicity. Review status: criteria provided, conflicting classifications (1 of 4 stars). 10 submissions from 10 submitters: Uncertain significance (5); Likely benign (2). 3 of the submissions do not count toward it. Last evaluated 2025-12-09.

Conditions:
Arrhythmogenic right ventricular dysplasia 11. Also called: Arrhythmogenic Right Ventricular Dysplasia/Cardiomyopathy11; ARRHYTHMOGENIC RIGHT VENTRICULAR DYSPLASIA, FAMILIAL, 11; Arrhythmogenic right ventricular dysplasia 11 with mild palmoplantar keratoderma and woolly hair. Identifiers: MedGen C1864850, MONDO:0012506, OMIM 610476.
Cardiovascular phenotype. Identifiers: MedGen CN230736.
Familial isolated arrhythmogenic right ventricular dysplasia. Identifiers: Orphanet 217656, MedGen C4274968, MONDO:0016342.
Cardiomyopathy (CMYO). Also called: Cardiomyopathies. Identifiers: Orphanet 167848, MedGen C0878544, MONDO:0004994, HP:0001638. Inheritance: Various modes of inheritance.

Allele frequency attached by ClinVar (database versions not stated): gnomAD 0.00004 and 0.00009; gnomAD exomes 0.00007 and 0.00006; TOPMed 0.00008; 1000 Genomes Project 30x 0.00047; ExAC 0.00007; 1000 Genomes Project 0.00060.
gnomAD v4.1: 107 of 1,613,958 alleles (0.0066%); highest among the groups gnomAD compares: Middle Eastern, 0.066%; 1 homozygote.

Submissions (10):

Labcorp Genetics (formerly Invitae), Labcorp
Classification: Uncertain significance for Arrhythmogenic right ventricular dysplasia 11. Last evaluated: 2025-12-09. Review status: criteria provided, single submitter. Criteria: Invitae Variant Classification Sherloc (09022015). Collection method: clinical testing. Allele origin: germline.
Comment: This sequence change replaces alanine, which is neutral and non-polar, with threonine, which is neutral and polar, at codon 133 of the DSC2 protein (p.Ala133Thr). The frequency data for this variant in the population databases is considered unreliable, as metrics indicate poor data quality at this position in the gnomAD database. This missense change has been observed in individual(s) with left ventricular non compaction, Brugada syndrome and/or dilated cardiomyopathy (PMID: 26220970, 28798025, 31983221, 32917565). ClinVar contains an entry for this variant (Variation ID: 808378). Invitae Evidence Modeling of protein sequence and biophysical properties (such as structural, functional, and spatial information, amino acid conservation, physicochemical variation, residue mobility, and thermodynamic stability) indicates that this missense variant is not expected to disrupt DSC2 protein function with a negative predictive value of 80%. In summary, the available evidence is currently insufficient to determine the role of this variant in disease. Therefore, it has been classified as a Variant of Uncertain Significance.

Color Diagnostics, LLC DBA Color Health
Classification: Likely benign for Cardiomyopathy. Last evaluated: 2025-11-19. Review status: criteria provided, single submitter. Criteria: ACMG Guidelines, 2015. Collection method: clinical testing. Allele origin: germline.

All of Us Research Program, National Institutes of Health
Classification: Uncertain significance for Familial isolated arrhythmogenic right ventricular dysplasia. Last evaluated: 2024-09-23. Review status: criteria provided, single submitter. Criteria: ACMG Guidelines, 2015. Collection method: clinical testing. Allele origin: germline. Inheritance: Autosomal dominant inheritance. Observed: 26 variant alleles, 26 heterozygotes.
Comment: This missense variant replaces alanine with threonine at codon 133 of the DSC2 protein. Computational prediction suggests that this variant may not impact protein structure and function (internally defined REVEL score threshold <= 0.5, PMID: 27666373). To our knowledge, functional studies have not been reported for this variant. This variant has been reported in an individual affected with left ventricular noncompaction (PMID: 28798025) and in an individual affected with sudden cardiac death (PMID: 32917565). This variant has been identified in 19/282564 chromosomes in the general population by the Genome Aggregation Database (gnomAD). The available evidence is insufficient to determine the role of this variant in disease conclusively. Therefore, this variant is classified as a Variant of Uncertain Significance.

This study involves interpretation of variants in research participants for the purpose of population health screening. Participant phenotype was not available at the time of variant classification. Additional details can be found in publication PMID: 35346344, PMCID: PMC8962531

GeneDx
Classification: Uncertain significance. Last evaluated: 2024-06-17. Review status: criteria provided, single submitter. Criteria: GeneDx Variant Classification Process June 2021. Collection method: clinical testing. Allele origin: germline. Affected: yes.
Comment: Identified in patients with cardiomyopathy, Brugada syndrome, and sudden unexpected death (SUD) in published literature; several patients harbored additional cardiogenetic variants (PMID: 26220970, 28798025, 31983221, 32917565); In silico analysis indicates that this missense variant does not alter protein structure/function; This variant is associated with the following publications: (PMID: 26220970, 32917565, 31983221, 28798025)

Fulgent Genetics
Classification: Uncertain significance for Arrhythmogenic right ventricular dysplasia 11. Last evaluated: 2021-08-11. Review status: criteria provided, single submitter. Criteria: ACMG Guidelines, 2015. Collection method: clinical testing. Allele origin: unknown.

Ambry Genetics
Classification: Likely benign for Cardiovascular phenotype. Last evaluated: 2021-04-23. Review status: criteria provided, single submitter. Criteria: Ambry Variant Classification Scheme 2023. Collection method: clinical testing. Allele origin: germline.

CHEO Genetics Diagnostic Laboratory, Children's Hospital of Eastern Ontario
Classification: Uncertain significance for Cardiomyopathy. Last evaluated: 2019-08-23. Review status: criteria provided, single submitter. Criteria: ACMG Guidelines, 2015. Collection method: clinical testing. Allele origin: germline.

Clinical Genetics DNA and cytogenetics Diagnostics Lab, Erasmus MC, Erasmus Medical Center
Classification: Likely benign. Review status: no assertion criteria provided. Collection method: clinical testing. Allele origin: germline. Affected: yes. Study: VKGL Data-share Consensus. Not counted in ClinVar's aggregate classification.

Diagnostic Laboratory, Department of Genetics, University Medical Center Groningen
Classification: Likely benign. Review status: no assertion criteria provided. Collection method: clinical testing. Allele origin: germline. Affected: yes. Study: VKGL Data-share Consensus. Not counted in ClinVar's aggregate classification.

Joint Genome Diagnostic Labs from Nijmegen and Maastricht, Radboudumc and MUMC+
Classification: Likely benign. Review status: no assertion criteria provided. Collection method: clinical testing. Allele origin: germline. Affected: yes. Study: VKGL Data-share Consensus. Not counted in ClinVar's aggregate classification.

Literature cited by the submitters: PubMed 26220970 (cited by Labcorp Genetics (formerly Invitae), Labcorp); PubMed 28798025 (cited by Labcorp Genetics (formerly Invitae), Labcorp and All of Us Research Program, National Institutes of Health); PubMed 31983221 (cited by Labcorp Genetics (formerly Invitae), Labcorp); PubMed 32917565 (cited by Labcorp Genetics (formerly Invitae), Labcorp and All of Us Research Program, National Institutes of Health).

NM_024422.6(DSC2):c.397G>A (p.Ala133Thr)

Gene: DSC2 (desmocollin 2; minus strand). Cytogenetic location: 18q12.1.
Variant type: single nucleotide variant.
Coding change: c.397G>A on transcript NM_024422.6 (MANE Select); coding-DNA position 397, G replaced by A.
Protein change: p.Ala133Thr; replaces alanine 133 with threonine.
Molecular consequence: missense variant.
Genome position (GRCh38, 1-based): chr18:31,091,105, C>T on the plus strand (G>A on the coding strand, the complement: DSC2 is on the minus strand). VCF-style: chr18-31091105-C-T. GRCh37 (hg19) VCF-style: chr18-28671068-C-T.
Other names: c.397G>A, p.Ala133Thr (NM_004949.5); short protein forms A133T.
Identifiers: ClinVar variation 808378 (VCV000808378.39), dbSNP rs200218585, ClinGen allele CA038293.